The following is an entry in ClinVar:

NM_003240.5(LEFTY2):c.571A>T (p.Ser191Cys)

Gene: LEFTY2 (left-right determination factor 2; minus strand). Cytogenetic location: 1q42.12.
Variant type: single nucleotide variant.
Coding change: c.571A>T on transcript NM_003240.5 (MANE Select); coding-DNA position 571, A replaced by T.
Protein change: p.Ser191Cys; replaces serine 191 with cysteine.
Molecular consequence: missense variant.
Genome position (GRCh38, 1-based): chr1:225,939,527, T>A on the plus strand (A>T on the coding strand, the complement: LEFTY2 is on the minus strand). VCF-style: chr1-225939527-T-A. GRCh37 (hg19) VCF-style: chr1-226127227-T-A.
Other names: c.469A>T, p.Ser157Cys (NM_001172425.3); c.571A>T (NM_003240.3); short protein forms S157C, S191C.
Identifiers: ClinVar variation 2804558 (VCV002804558.4), dbSNP rs761074083, ClinGen allele CA1420537.
Genomic context (GRCh38, chr1:225,939,527, plus strand): 5'-GCGGGCCCAGATGCTCCCTCTGCACCGACACCTGTAGCAGCAGCGGCTGCCGGGGCCGGC[T>A]CAGCTGCTGCCAGAAGTTCACGGCCTCGGTCACGTCGAAGGCCTTCCAGCCGCTCTCGTG-3'
Protein context (NP_003231.2, residues 181-201): TEAVNFWQQL[Ser191Cys]RPRQPLLLQV

ClinVar aggregate classification (germline): Uncertain significance. Review status: criteria provided, multiple submitters, no conflicts (2 of 4 stars). 2 submissions from 2 submitters: Uncertain significance (2). Last evaluated 2024-04-01.

Conditions:
Left-right axis malformations. Identifiers: MedGen C1866091.

Allele frequency attached by ClinVar (database versions not stated): gnomAD 0.00001.
gnomAD v4.1: 6 of 1,611,092 alleles (0.00037%); highest among the groups gnomAD compares: Middle Eastern, 0.018%; no homozygotes.

Submissions (2):

Ambry Genetics
Classification: Uncertain significance. Last evaluated: 2024-04-01. Review status: criteria provided, single submitter. Criteria: Ambry Variant Classification Scheme 2023. Collection method: clinical testing. Allele origin: germline.

Labcorp Genetics (formerly Invitae), Labcorp
Classification: Uncertain significance for Left-right axis malformations. Last evaluated: 2023-06-23. Review status: criteria provided, single submitter. Criteria: Invitae Variant Classification Sherloc (09022015). Collection method: clinical testing. Allele origin: germline.
Comment: This sequence change replaces serine, which is neutral and polar, with cysteine, which is neutral and slightly polar, at codon 191 of the LEFTY2 protein (p.Ser191Cys). This variant is present in population databases (rs761074083, gnomAD 0.001%). This variant has not been reported in the literature in individuals affected with LEFTY2-related conditions. An algorithm developed to predict the effect of missense changes on protein structure and function (PolyPhen-2) suggests that this variant is likely to be disruptive. In summary, the available evidence is currently insufficient to determine the role of this variant in disease. Therefore, it has been classified as a Variant of Uncertain Significance.